The following is an entry in ClinVar:

NM_001042492.3(NF1):c.5180C>T (p.Pro1727Leu)

Gene: NF1 (neurofibromin 1; plus strand). Cytogenetic location: 17q11.2.
Variant type: single nucleotide variant.
Coding change: c.5180C>T on transcript NM_001042492.3 (MANE Select); coding-DNA position 5180, C replaced by T.
Protein change: p.Pro1727Leu; replaces proline 1727 with leucine.
Molecular consequence: missense variant.
Genome position (GRCh38, 1-based): chr17:31,326,164, C>T. VCF-style: chr17-31326164-C-T. GRCh37 (hg19) VCF-style: chr17-29653182-C-T.
Other names: c.5117C>T, p.Pro1706Leu (NM_000267.4); short protein forms P1706L, P1727L.
Identifiers: ClinVar variation 2478403 (VCV002478403.2), dbSNP rs2069336255, ClinGen allele CA399007970.

ClinVar aggregate classification (germline): Uncertain significance (1 of 4 stars; one submission).

Conditions:
Hereditary cancer-predisposing syndrome. Also called: Neoplastic Syndromes, Hereditary; Hereditary neoplastic syndrome; Tumor predisposition; Hereditary Cancer Syndrome. Identifiers: Orphanet 140162, MedGen C0027672, MeSH D009386, MONDO:0015356.
Cardiovascular phenotype. Identifiers: MedGen CN230736.

Submission:

Ambry Genetics
Classification: Uncertain significance for Cardiovascular phenotype; Hereditary cancer-predisposing syndrome. Last evaluated: 2023-01-12. Review status: criteria provided, single submitter. Criteria: Ambry Variant Classification Scheme 2023. Collection method: clinical testing. Allele origin: germline.
Comment: The p.P1706L variant (also known as c.5117C>T), located in coding exon 36 of the NF1 gene, results from a C to T substitution at nucleotide position 5117. The proline at codon 1706 is replaced by leucine, an amino acid with similar properties. This amino acid position is conserved. In addition, the in silico prediction for this alteration is inconclusive. Since supporting evidence is limited at this time, the clinical significance of this alteration remains unclear.